The following is an entry in ClinVar:

ClinVar aggregate classification (germline): Uncertain significance. Review status: criteria provided, multiple submitters, no conflicts (2 of 4 stars). 3 submissions from 3 submitters: Uncertain significance (2). 1 of the submissions does not count toward it. Last evaluated 2025-10-04.

Conditions:
Pontocerebellar hypoplasia type 2D (PCH2D). Also called: Progressive cerebello-cerebral atrophy. Identifiers: Orphanet 247198, Orphanet 2524, MedGen C3151140, MONDO:0013438, OMIM 613811.

Allele frequency attached by ClinVar (database versions not stated): gnomAD exomes below 0.00001 and 0.00002; gnomAD 0.00001 and 0.00002; TOPMed 0.00002.
gnomAD v4.1: 25 of 1,613,616 alleles (0.0015%); highest among the groups gnomAD compares: Non-Finnish European, 0.0021%; no homozygotes.

Submissions (3):

Labcorp Genetics (formerly Invitae), Labcorp
Classification: Uncertain significance. Last evaluated: 2025-10-04. Review status: criteria provided, single submitter. Criteria: Invitae Variant Classification Sherloc (09022015). Collection method: clinical testing. Allele origin: germline.
Comment: This sequence change replaces glycine, which is neutral and non-polar, with aspartic acid, which is acidic and polar, at codon 130 of the SEPSECS protein (p.Gly130Asp). This variant is present in population databases (no rsID available, gnomAD 0.0009%). This variant has not been reported in the literature in individuals affected with SEPSECS-related conditions. ClinVar contains an entry for this variant (Variation ID: 546218). An algorithm developed to predict the effect of missense changes on protein structure and function (PolyPhen-2) suggests that this variant is likely to be disruptive. In summary, the available evidence is currently insufficient to determine the role of this variant in disease. Therefore, it has been classified as a Variant of Uncertain Significance.

GeneDx
Classification: Uncertain significance. Last evaluated: 2018-05-09. Review status: criteria provided, single submitter. Criteria: GeneDx Variant Classification (06012015). Collection method: clinical testing. Allele origin: germline. Affected: yes.
Comment: The G130D variant in the SEPSECS gene has not been reported previously as a pathogenic variant, nor as a benign variant, to our knowledge. The G130D variant is not observed at a significant frequency in large population cohorts (Lek et al., 2016). The G130D variant is a non-conservative amino acid substitution, which is likely to impact secondary protein structure as these residues differ in polarity, charge, size and/or other properties. In silico analyses, including protein predictors and evolutionary conservation, support a deleterious effect. We interpret G130D as a variant of uncertain significance.

Natera, Inc.
Classification: Uncertain significance for Pontocerebellar hypoplasia type 2d. Last evaluated: 2020-09-24. Review status: no assertion criteria provided. Collection method: clinical testing. Allele origin: germline. Not counted in ClinVar's aggregate classification.

NM_016955.4(SEPSECS):c.389G>A (p.Gly130Asp)

Gene: SEPSECS (Sep (O-phosphoserine) tRNA:Sec (selenocysteine) tRNA synthase; minus strand). Cytogenetic location: 4p15.2.
Variant type: single nucleotide variant.
Coding change: c.389G>A on transcript NM_016955.4 (MANE Select); coding-DNA position 389, G replaced by A.
Protein change: p.Gly130Asp; replaces glycine 130 with aspartic acid.
Molecular consequence: missense variant.
Genome position (GRCh38, 1-based): chr4:25,156,195, C>T on the plus strand (G>A on the coding strand, the complement: SEPSECS is on the minus strand). VCF-style: chr4-25156195-C-T. GRCh37 (hg19) VCF-style: chr4-25157817-C-T.
Other names: short protein forms G130D.
Identifiers: ClinVar variation 546218 (VCV000546218.4), dbSNP rs1004182733, ClinGen allele CA93584428.
Genomic context (GRCh38, chr4:25,156,195, plus strand): 5'-AGAGTTAGACTCATACCAGTTGCCATAGGAACTACAAAGCAGTTGGCTACTGTATGGACA[C>T]CTACAAATAAGAAGCAAAACAGAAATCTGTTATCCCGCTAAGCACCCAGCATCCTTCTTG-3'
Protein context (NP_058651.3, residues 120-140): SLVLDIIKLA[Gly130Asp]VHTVANCFVV